The following is an entry in ClinVar:

ClinVar aggregate classification (germline): Uncertain significance (1 of 4 stars; one submission).

Conditions:
Leber congenital amaurosis 1 (LCA1). Also called: Congenital absence of the rods and cones; Leber's congenital tapetoretinal degeneration; Leber's congenital tapetoretinal dysplasia; AMAUROSIS CONGENITA OF LEBER I; RETINAL BLINDNESS, CONGENITAL. Identifiers: Orphanet 65, MedGen C2931258, MONDO:0008764, OMIM 204000.
Cone-rod dystrophy 6 (CORD6). Also called: Cone dystrophy progressive; RETINAL CONE DYSTROPHY 2. Identifiers: Orphanet 1872, MedGen C1866293, MONDO:0011143, OMIM 601777.

Submission:

Labcorp Genetics (formerly Invitae), Labcorp
Classification: Uncertain significance for Leber congenital amaurosis 1; Cone-rod dystrophy 6. Last evaluated: 2025-08-18. Review status: criteria provided, single submitter. Criteria: Invitae Variant Classification Sherloc (09022015). Collection method: clinical testing. Allele origin: germline.
Comment: This sequence change replaces histidine, which is basic and polar, with glutamine, which is neutral and polar, at codon 305 of the GUCY2D protein (p.His305Gln). This variant is not present in population databases (gnomAD no frequency). This variant has not been reported in the literature in individuals affected with GUCY2D-related conditions. ClinVar contains an entry for this variant (Variation ID: 2937012). Invitae Evidence Modeling of protein sequence and biophysical properties (such as structural, functional, and spatial information, amino acid conservation, physicochemical variation, residue mobility, and thermodynamic stability) indicates that this missense variant is not expected to disrupt GUCY2D protein function with a negative predictive value of 80%. In summary, the available evidence is currently insufficient to determine the role of this variant in disease. Therefore, it has been classified as a Variant of Uncertain Significance.

NM_000180.4(GUCY2D):c.915C>G (p.His305Gln)

Gene: GUCY2D (guanylate cyclase 2D, retinal; plus strand). Cytogenetic location: 17p13.1.
Variant type: single nucleotide variant.
Coding change: c.915C>G on transcript NM_000180.4 (MANE Select); coding-DNA position 915, C replaced by G.
Protein change: p.His305Gln; replaces histidine 305 with glutamine.
Molecular consequence: missense variant.
Genome position (GRCh38, 1-based): chr17:8,004,045, C>G. VCF-style: chr17-8004045-C-G. GRCh37 (hg19) VCF-style: chr17-7907363-C-G.
Other names: short protein forms H305Q.
Identifiers: ClinVar variation 2937012 (VCV002937012.3), dbSNP rs1975693104, ClinGen allele CA397945917.